The following is an entry in ClinVar:

NM_004371.4(COPA):c.1363G>A (p.Glu455Lys)

Gene: COPA (coat protein complex I subunit alpha; minus strand). Cytogenetic location: 1q23.2.
Variant type: single nucleotide variant.
Coding change: c.1363G>A on transcript NM_004371.4 (MANE Select); coding-DNA position 1363, G replaced by A.
Protein change: p.Glu455Lys; replaces glutamic acid 455 with lysine.
Molecular consequence: missense variant.
Genome position (GRCh38, 1-based): chr1:160,306,433, C>T on the plus strand (G>A on the coding strand, the complement: COPA is on the minus strand). VCF-style: chr1-160306433-C-T. GRCh37 (hg19) VCF-style: chr1-160276223-C-T.
Other names: c.1363G>A, p.Glu455Lys (NM_001098398.2); short protein forms E455K.
Identifiers: ClinVar variation 1051741 (VCV001051741.9), dbSNP rs2101837690, ClinGen allele CA343256102.

ClinVar aggregate classification (germline): Uncertain significance (1 of 4 stars; one submission).

Conditions:
Autoimmune interstitial lung disease-arthritis syndrome. Also called: Autoinflammation and autoimmunity, systemic, with immune dysregulation. Identifiers: Orphanet 444092, MedGen C5975714, MONDO:0014629.

Submission:

Labcorp Genetics (formerly Invitae), Labcorp
Classification: Uncertain significance for Autoimmune interstitial lung disease-arthritis syndrome. Last evaluated: 2020-08-02. Review status: criteria provided, single submitter. Criteria: Invitae Variant Classification Sherloc (09022015). Collection method: clinical testing. Allele origin: germline.
Comment: In summary, the available evidence is currently insufficient to determine the role of this variant in disease. Therefore, it has been classified as a Variant of Uncertain Significance. Advanced modeling of protein sequence and biophysical properties (such as structural, functional, and spatial information, amino acid conservation, physicochemical variation, residue mobility, and thermodynamic stability) performed at Invitae indicates that this missense variant is not expected to disrupt COPA protein function. This variant has not been reported in the literature in individuals with COPA-related conditions. This variant is not present in population databases (ExAC no frequency). This sequence change replaces glutamic acid with lysine at codon 455 of the COPA protein (p.Glu455Lys). The glutamic acid residue is highly conserved and there is a small physicochemical difference between glutamic acid and lysine.